The following is an entry in ClinVar:

NM_000153.4(GALC):c.1150A>G (p.Ile384Val)

Gene: GALC (galactosylceramidase; minus strand). Cytogenetic location: 14q31.3.
Variant type: single nucleotide variant.
Coding change: c.1150A>G on transcript NM_000153.4 (MANE Select); coding-DNA position 1150, A replaced by G.
Protein change: p.Ile384Val; replaces isoleucine 384 with valine.
Molecular consequence: missense variant.
Genome position (GRCh38, 1-based): chr14:87,963,395, T>C on the plus strand (A>G on the coding strand, the complement: GALC is on the minus strand). VCF-style: chr14-87963395-T-C. GRCh37 (hg19) VCF-style: chr14-88429739-T-C.
Other names: c.1081A>G, p.Ile361Val (NM_001201401.2); c.1072A>G, p.Ile358Val (NM_001201402.2); short protein forms I361V, I358V, I384V.
Identifiers: ClinVar variation 1473401 (VCV001473401.5), dbSNP rs1192791166, ClinGen allele CA390747141.

ClinVar aggregate classification (germline): Uncertain significance (1 of 4 stars; one submission).

Conditions:
Galactosylceramide beta-galactosidase deficiency. Also called: Krabbe Disease; Leukodystrophy, Globoid Cell; GALACTOCEREBROSIDASE DEFICIENCY; GALC DEFICIENCY; GLOBOID CELL LEUKOENCEPHALOPATHY. Identifiers: Orphanet 487, MedGen C0023521, MONDO:0009499, OMIM 245200.

Allele frequency attached by ClinVar (database versions not stated): TOPMed below 0.00001.

Submission:

Labcorp Genetics (formerly Invitae), Labcorp
Classification: Uncertain significance for Galactosylceramide beta-galactosidase deficiency. Last evaluated: 2024-07-22. Review status: criteria provided, single submitter. Criteria: Invitae Variant Classification Sherloc (09022015). Collection method: clinical testing. Allele origin: germline.
Comment: This sequence change replaces isoleucine, which is neutral and non-polar, with valine, which is neutral and non-polar, at codon 384 of the GALC protein (p.Ile384Val). This variant is not present in population databases (gnomAD no frequency). This variant has not been reported in the literature in individuals affected with GALC-related conditions. ClinVar contains an entry for this variant (Variation ID: 1473401). Advanced modeling of protein sequence and biophysical properties (such as structural, functional, and spatial information, amino acid conservation, physicochemical variation, residue mobility, and thermodynamic stability) performed at Invitae indicates that this missense variant is not expected to disrupt GALC protein function with a negative predictive value of 95%. In summary, the available evidence is currently insufficient to determine the role of this variant in disease. Therefore, it has been classified as a Variant of Uncertain Significance.